The following is an entry in ClinVar:

NM_001042492.3(NF1):c.2711G>A (p.Cys904Tyr)

Gene: NF1 (neurofibromin 1; plus strand). Cytogenetic location: 17q11.2.
Variant type: single nucleotide variant.
Coding change: c.2711G>A on transcript NM_001042492.3 (MANE Select); coding-DNA position 2711, G replaced by A.
Protein change: p.Cys904Tyr; replaces cysteine 904 with tyrosine.
Molecular consequence: missense variant.
Genome position (GRCh38, 1-based): chr17:31,229,326, G>A. VCF-style: chr17-31229326-G-A. GRCh37 (hg19) VCF-style: chr17-29556344-G-A.
Other names: c.2711G>A, p.Cys904Tyr (NM_000267.4); short protein forms C904Y.
Identifiers: ClinVar variation 1795080 (VCV001795080.3), dbSNP rs2151429496, ClinGen allele CA398985094.

ClinVar aggregate classification (germline): Uncertain significance (1 of 4 stars; one submission).

Conditions:
Cardiovascular phenotype. Identifiers: MedGen CN230736.
Hereditary cancer-predisposing syndrome. Also called: Tumor predisposition; Hereditary Cancer Syndrome; Neoplastic Syndromes, Hereditary; Hereditary neoplastic syndrome. Identifiers: Orphanet 140162, MedGen C0027672, MeSH D009386, MONDO:0015356.

Submission:

Ambry Genetics
Classification: Uncertain significance for Cardiovascular phenotype; Hereditary cancer-predisposing syndrome. Last evaluated: 2025-11-06. Review status: criteria provided, single submitter. Criteria: Ambry Variant Classification Scheme 2023. Collection method: clinical testing. Allele origin: germline.
Comment: The p.C904Y variant (also known as c.2711G>A), located in coding exon 21 of the NF1 gene, results from a G to A substitution at nucleotide position 2711. The cysteine at codon 904 is replaced by tyrosine, an amino acid with highly dissimilar properties. This amino acid position is highly conserved in available vertebrate species. In addition, this alteration is predicted to be deleterious by in silico analysis. Based on the available evidence, the clinical significance of this variant remains unclear.